The following is an entry in ClinVar:

NM_003477.3(PDHX):c.957G>A (p.Leu319=)

Gene: PDHX (pyruvate dehydrogenase complex component X; plus strand). Cytogenetic location: 11p13.
Variant type: single nucleotide variant.
Coding change: c.957G>A on transcript NM_003477.3 (MANE Select); coding-DNA position 957, G replaced by A.
Protein change: p.Leu319=; no amino-acid change (leucine 319 retained).
Molecular consequence: synonymous variant. On other transcripts: intron variant (1).
Genome position (GRCh38, 1-based): chr11:34,970,279, G>A. VCF-style: chr11-34970279-G-A. GRCh37 (hg19) VCF-style: chr11-34991826-G-A.
Other names: p.L319L:CTG>CTA; p.Leu319=; c.777G>A, p.Leu259= (NM_001135024.2); c.343-14291G>A (NM_001166158.2).
Identifiers: ClinVar variation 138663 (VCV000138663.21), dbSNP rs36047324, ClinGen allele CA292749.
Genomic context (GRCh38, chr11:34,970,279, plus strand): 5'-TCATGCATATGCTACTGCTGACTGTGACCTTGGAGCTGTTTTAAAAGTTAGGCAAGATCT[G>A]GTCAAAGGTTAGTAAAATTGAATTTACTTAATACAAAACACATGCTAACTTAACTTTCAT-3'
Protein context (NP_003468.2, residues 309-329): LGAVLKVRQD[Leu319=]VKDDIKVSVN

ClinVar aggregate classification (germline): Benign. Review status: criteria provided, multiple submitters, no conflicts (2 of 4 stars). 5 submissions from 5 submitters: Benign (4). 1 of the submissions does not count toward it. Last evaluated 2026-01-28.

Conditions:
PDHX-related disorder. Also called: PDHX-related condition.
Pyruvate dehydrogenase E3-binding protein deficiency (PDHXD). Also called: PYRUVATE HYDROGENASE E3-BINDING PROTEIN DEFICIENCY; Lacticacidemia due to PDX1 deficiency; E3-Binding Protein (Component X) Deficiency; LACTIC ACIDEMIA DUE TO DEFECT IN LIPOYL-CONTAINING COMPONENT X OF THE PYRUVATE DEHYDROGENASE COMPLEX. Identifiers: Orphanet 255182, MedGen C1855553, MONDO:0009503, OMIM 245349.

Allele frequency attached by ClinVar (database versions not stated): gnomAD exomes 0.00062 and 0.00174; ExAC 0.00220; 1000 Genomes Project 0.00399; 1000 Genomes Project 30x 0.00406; gnomAD 0.00717; TOPMed 0.00737; ESP Exome Variant Server 0.00892.

Submissions (5):

Labcorp Genetics (formerly Invitae), Labcorp
Classification: Benign. Last evaluated: 2026-01-28. Review status: criteria provided, single submitter. Criteria: Invitae Variant Classification Sherloc (09022015). Collection method: clinical testing. Allele origin: germline.

ARUP Laboratories, Molecular Genetics and Genomics, ARUP Laboratories
Classification: Benign for Pyruvate dehydrogenase E3-binding protein deficiency. Last evaluated: 2019-04-05. Review status: criteria provided, single submitter. Criteria: ARUP Molecular Germline Variant Investigation Process. Collection method: clinical testing. Allele origin: germline.

Mayo Clinic Laboratories, Mayo Clinic
Classification: Benign. Last evaluated: 2018-07-23. Review status: criteria provided, single submitter. Criteria: ACMG Guidelines, 2015. Collection method: clinical testing. Allele origin: germline. Observed: 7 variant alleles.

GeneDx
Classification: Benign. Last evaluated: 2013-06-10. Review status: criteria provided, single submitter. Criteria: GeneDx Variant Classification (06012015). Collection method: clinical testing. Allele origin: germline. Affected: yes.
Comment: This variant is considered likely benign or benign based on one or more of the following criteria: it is a conservative change, it occurs at a poorly conserved position in the protein, it is predicted to be benign by multiple in silico algorithms, and/or has population frequency not consistent with disease.

PreventionGenetics, part of Exact Sciences
Classification: Benign for PDHX-related condition. Last evaluated: 2024-05-13. Review status: no assertion criteria provided. Collection method: clinical testing. Allele origin: germline. Not counted in ClinVar's aggregate classification.
Comment: This variant is classified as benign based on ACMG/AMP sequence variant interpretation guidelines (Richards et al. 2015 PMID: 25741868, with internal and published modifications).